The following is an entry in ClinVar:

ClinVar aggregate classification (germline): Pathogenic (1 of 4 stars; one submission).

Conditions:
X-linked severe combined immunodeficiency (SCIDX1). Also called: IMMUNODEFICIENCY 4; SCID, X-LINKED; SEVERE COMBINED IMMUNODEFICIENCY, X-LINKED, T CELL-NEGATIVE, B CELL-POSITIVE, NK CELL-NEGATIVE; T-B+ severe combined immunodeficiency due to gamma chain deficiency; X-Linked Combined Immunodeficiency Diseases. Identifiers: Orphanet 276, MedGen C6022468, MONDO:0010315, OMIM 300400. Disease mechanism: loss of function.

Submission:

Labcorp Genetics (formerly Invitae), Labcorp
Classification: Pathogenic for X-linked severe combined immunodeficiency. Last evaluated: 2024-02-24. Review status: criteria provided, single submitter. Criteria: Invitae Variant Classification Sherloc (09022015). Collection method: clinical testing. Allele origin: germline.
Comment: This sequence change creates a premature translational stop signal (p.Gln200*) in the IL2RG gene. It is expected to result in an absent or disrupted protein product. Loss-of-function variants in IL2RG are known to be pathogenic (PMID: 9058718, 10794430). This variant is not present in population databases (gnomAD no frequency). This variant has not been reported in the literature in individuals affected with IL2RG-related conditions. ClinVar contains an entry for this variant (Variation ID: 1355530). For these reasons, this variant has been classified as Pathogenic.

Literature cited by the submitters: PubMed 9058718; PubMed 10794430.

NM_000206.3(IL2RG):c.598C>T (p.Gln200Ter)

Gene: IL2RG (interleukin 2 receptor subunit gamma; minus strand). Cytogenetic location: Xq13.1.
Variant type: single nucleotide variant.
Coding change: c.598C>T on transcript NM_000206.3 (MANE Select); coding-DNA position 598, C replaced by T.
Protein change: p.Gln200Ter; replaces glutamine 200 with a stop codon.
Molecular consequence: nonsense.
Genome position (GRCh38, 1-based): chrX:71,109,387, G>A on the plus strand (C>T on the coding strand, the complement: IL2RG is on the minus strand). VCF-style: chrX-71109387-G-A. GRCh37 (hg19) VCF-style: chrX-70329237-G-A.
Other names: short protein forms Q200*.
Identifiers: ClinVar variation 1355530 (VCV001355530.6), dbSNP rs2147748363, ClinGen allele CA413496165.
Genomic context (GRCh38, chrX:71,109,387, plus strand): 5'-TGTAGCGTTTCTGCCCATCCACACTAGGCAAGGAGAACTTATGTCTATAATCCACTGATT[G>A]TTCCTTGAGGAGAAAGAGGATGAGGGAAAGTGGGTGTCTATGAGAGAAGGGAGAATTAAA-3'